The following is an entry in ClinVar:

NM_000038.6(APC):c.1282G>A (p.Glu428Lys)

Gene: APC (APC regulator of Wnt signaling pathway; plus strand). Cytogenetic location: 5q22.2.
Variant type: single nucleotide variant.
Coding change: c.1282G>A on transcript NM_000038.6 (MANE Select); coding-DNA position 1282, G replaced by A.
Protein change: p.Glu428Lys; replaces glutamic acid 428 with lysine.
Molecular consequence: missense variant.
Genome position (GRCh38, 1-based): chr5:112,819,314, G>A. VCF-style: chr5-112819314-G-A. GRCh37 (hg19) VCF-style: chr5-112155011-G-A.
Other names: c.1282G>A, p.Glu428Lys (NM_001127510.3, NM_001354895.2, NM_001354896.2); c.1228G>A, p.Glu410Lys (NM_001127511.3); c.1312G>A, p.Glu438Lys (NM_001354897.2); c.1207G>A, p.Glu403Lys (NM_001354898.2); c.1198G>A, p.Glu400Lys (NM_001354899.2); c.1105G>A, p.Glu369Lys (NM_001354900.2, NM_001354901.2); c.1009G>A, p.Glu337Lys (NM_001354902.2); c.979G>A, p.Glu327Lys (NM_001354903.2); and 3 more; short protein forms E410K, E428K, E337K, E302K, E369K, E268K, E400K, E403K.
Identifiers: ClinVar variation 469702 (VCV000469702.12), dbSNP rs1302087242, ClinGen allele CA16024111.

ClinVar aggregate classification (germline): Uncertain significance. Review status: criteria provided, multiple submitters, no conflicts (2 of 4 stars). 2 submissions from 2 submitters: Uncertain significance (2). Last evaluated 2025-07-15.

Conditions:
Familial adenomatous polyposis 1 (FAP1). Also called: POLYPOSIS, ADENOMATOUS INTESTINAL; FAMILIAL ADENOMATOUS POLYPOSIS 1, ATTENUATED. Identifiers: MedGen C2713442, MONDO:0021056, OMIM 175100. Disease mechanism: loss of function.
Hereditary cancer-predisposing syndrome. Also called: Hereditary neoplastic syndrome; Neoplastic Syndromes, Hereditary; Tumor predisposition; Hereditary Cancer Syndrome. Identifiers: Orphanet 140162, MedGen C0027672, MeSH D009386, MONDO:0015356.

Allele frequency attached by ClinVar (database versions not stated): TOPMed below 0.00001; gnomAD 0.00001.
gnomAD v4.1: 1 of 1,613,920 alleles (0.000062%); highest among the groups gnomAD compares: Non-Finnish European, 0.000085%; no homozygotes.

Submissions (2):

Labcorp Genetics (formerly Invitae), Labcorp
Classification: Uncertain significance for Familial adenomatous polyposis 1. Last evaluated: 2025-07-15. Review status: criteria provided, single submitter. Criteria: Invitae Variant Classification Sherloc (09022015). Collection method: clinical testing. Allele origin: germline.
Comment: This sequence change replaces glutamic acid, which is acidic and polar, with lysine, which is basic and polar, at codon 428 of the APC protein (p.Glu428Lys). This variant is not present in population databases (gnomAD no frequency). This variant has not been reported in the literature in individuals affected with APC-related conditions. ClinVar contains an entry for this variant (Variation ID: 469702). Invitae Evidence Modeling of protein sequence and biophysical properties (such as structural, functional, and spatial information, amino acid conservation, physicochemical variation, residue mobility, and thermodynamic stability) indicates that this missense variant is not expected to disrupt APC protein function with a negative predictive value of 95%. In summary, the available evidence is currently insufficient to determine the role of this variant in disease. Therefore, it has been classified as a Variant of Uncertain Significance.

Ambry Genetics
Classification: Uncertain significance for Hereditary cancer-predisposing syndrome. Last evaluated: 2025-04-14. Review status: criteria provided, single submitter. Criteria: Ambry Variant Classification Scheme 2023. Collection method: clinical testing. Allele origin: germline.
Comment: The p.E428K variant (also known as c.1282G>A), located in coding exon 9 of the APC gene, results from a G to A substitution at nucleotide position 1282. The glutamic acid at codon 428 is replaced by lysine, an amino acid with similar properties. Missense alterations in APC are not a common cause of disease (Spier I et al. Genet Med. 2024 Feb;26(2):100992). This amino acid position is well conserved in available vertebrate species. In addition, in silico predictors for this gene do not accurately predict pathogenicity. Based on the available evidence, the clinical significance of this variant remains unclear.